The following is an entry in ClinVar:

ClinVar aggregate classification (germline): Uncertain significance (1 of 4 stars; one submission).

Submission:

Labcorp Genetics (formerly Invitae), Labcorp
Classification: Uncertain significance. Last evaluated: 2024-01-02. Review status: criteria provided, single submitter. Criteria: Invitae Variant Classification Sherloc (09022015). Collection method: clinical testing. Allele origin: germline.
Comment: This sequence change replaces histidine, which is basic and polar, with tyrosine, which is neutral and polar, at codon 290 of the PCGF2 protein (p.His290Tyr). This variant is not present in population databases (gnomAD no frequency). This variant has not been reported in the literature in individuals affected with PCGF2-related conditions. Advanced modeling of protein sequence and biophysical properties (such as structural, functional, and spatial information, amino acid conservation, physicochemical variation, residue mobility, and thermodynamic stability) performed at Invitae indicates that this missense variant is not expected to disrupt PCGF2 protein function with a negative predictive value of 80%. In summary, the available evidence is currently insufficient to determine the role of this variant in disease. Therefore, it has been classified as a Variant of Uncertain Significance.

NM_007144.3(PCGF2):c.868C>T (p.His290Tyr)

Genes: PCGF2 (polycomb group ring finger 2; minus strand), CISD3 (CDGSH iron sulfur domain 3; plus strand). Cytogenetic location: 17q12.
Variant type: single nucleotide variant.
Coding change: c.868C>T on transcript NM_007144.3 (MANE Select); coding-DNA position 868, C replaced by T.
Protein change: p.His290Tyr; replaces histidine 290 with tyrosine.
Molecular consequence: missense variant. On other transcripts: 3 prime UTR variant (1).
Genome position (GRCh38, 1-based): chr17:38,735,390, G>A on the plus strand (C>T on the coding strand, the complement: PCGF2 is on the minus strand). VCF-style: chr17-38735390-G-A. GRCh37 (hg19) VCF-style: chr17-36891643-G-A.
Other names: c.*1935G>A (NM_001136498.2); c.868C>T, p.His290Tyr (NM_001369614.1, NM_001369615.1); short protein forms H290Y.
Identifiers: ClinVar variation 2706976 (VCV002706976.3), dbSNP rs2508665282, ClinGen allele CA398819794.